The following is an entry in ClinVar:

NM_003392.7(WNT5A):c.547G>A (p.Gly183Ser)

Gene: WNT5A (Wnt family member 5A; minus strand). Cytogenetic location: 3p14.3.
Variant type: single nucleotide variant.
Coding change: c.547G>A on transcript NM_003392.7 (MANE Select); coding-DNA position 547, G replaced by A.
Protein change: p.Gly183Ser; replaces glycine 183 with serine.
Molecular consequence: missense variant.
Genome position (GRCh38, 1-based): chr3:55,474,474, C>T on the plus strand (G>A on the coding strand, the complement: WNT5A is on the minus strand). VCF-style: chr3-55474474-C-T. GRCh37 (hg19) VCF-style: chr3-55508502-C-T.
Other names: c.502G>A, p.Gly168Ser (NM_001256105.1, NM_001377271.1, NM_001377272.1); short protein forms G168S, G183S.
Identifiers: ClinVar variation 989280 (VCV000989280.4), dbSNP rs1393089710, ClinGen allele CA353275044.

ClinVar aggregate classification (germline): Uncertain significance (1 of 4 stars; one submission).

Conditions:
Autosomal dominant Robinow syndrome 1. Also called: WNT5A-Related Robinow Syndrome, Autosomal Dominant; FETAL FACE SYNDROME; ACRAL DYSOSTOSIS WITH FACIAL AND GENITAL ABNORMALITIES; Covesdem syndrome (formerly); Costovertebral segmentation defect with mesomelia (formerly); ROBINOW DWARFISM. Identifiers: Orphanet 3107, Orphanet 97360, MedGen C4551475, MONDO:0024455, OMIM 180700.

Allele frequency attached by ClinVar (database versions not stated): gnomAD exomes below 0.00001 and 0.00001; TOPMed 0.00001.
gnomAD v4.1: 6 of 1,602,402 alleles (0.00037%); highest among the groups gnomAD compares: South Asian, 0.0022%; no homozygotes.

Submission:

Illumina Laboratory Services, Illumina
Classification: Uncertain significance for Autosomal dominant Robinow syndrome 1. Last evaluated: 2019-02-14. Review status: criteria provided, single submitter. Criteria: ICSLVariantClassificationCriteria RUGD 01 April 2020. Collection method: clinical testing. Allele origin: unknown.
Comment: The WNT5A c.547G>A (p.Gly183Ser) variant is a missense variant. A literature search was performed for the gene, cDNA change, and amino acid change. No publications were found based on this search. This variant is found at a frequency of 0.000014 in the Total population of the Genome Aggregation Database. Based on the limited evidence, the p.Gly183Ser variant is classified as a variant of uncertain significance for Robinow syndrome.